The following is an entry in ClinVar:

ClinVar aggregate classification (germline): Uncertain significance. Review status: criteria provided, multiple submitters, no conflicts (2 of 4 stars). 2 submissions from 2 submitters: Uncertain significance (2). Last evaluated 2023-05-08.

Conditions:
DOCK2 deficiency. Also called: Immunodeficiency 40. Identifiers: Orphanet 447737, MedGen C4225328, MONDO:0014637, OMIM 616433.

Allele frequency attached by ClinVar (database versions not stated): gnomAD exomes 0.00001; TOPMed 0.00001.

Submissions (2):

Blueprint Genetics
Classification: Uncertain significance. Last evaluated: 2023-05-08. Review status: criteria provided, single submitter. Criteria: ACMG Guidelines, 2015. Collection method: clinical testing. Allele origin: germline.

Labcorp Genetics (formerly Invitae), Labcorp
Classification: Uncertain significance for DOCK2 deficiency. Last evaluated: 2018-08-01. Review status: criteria provided, single submitter. Criteria: Invitae Variant Classification Sherloc (09022015). Collection method: clinical testing. Allele origin: germline.
Comment: This variant has not been reported in the literature in individuals with DOCK2-related disease. This sequence change replaces arginine with tryptophan at codon 514 of the DOCK2 protein (p.Arg514Trp). The arginine residue is highly conserved and there is a moderate physicochemical difference between arginine and tryptophan. This variant is not present in population databases (ExAC no frequency). Algorithms developed to predict the effect of missense changes on protein structure and function are either unavailable or do not agree on the potential impact of this missense change (SIFT: "Deleterious"; PolyPhen-2: "Probably Damaging"; Align-GVGD: "Class C15"). In summary, the available evidence is currently insufficient to determine the role of this variant in disease. Therefore, it has been classified as a Variant of Uncertain Significance.

NM_004946.3(DOCK2):c.1540C>T (p.Arg514Trp)

Gene: DOCK2 (dedicator of cytokinesis 2; plus strand). Cytogenetic location: 5q35.1.
Variant type: single nucleotide variant.
Coding change: c.1540C>T on transcript NM_004946.3 (MANE Select); coding-DNA position 1540, C replaced by T.
Protein change: p.Arg514Trp; replaces arginine 514 with tryptophan.
Molecular consequence: missense variant. On other transcripts: non-coding transcript variant (1).
Genome position (GRCh38, 1-based): chr5:169,711,992, C>T. VCF-style: chr5-169711992-C-T. GRCh37 (hg19) VCF-style: chr5-169138996-C-T.
Other names: c.1540C>T, p.Arg514Trp (LRG_1227t1); short protein forms R514W.
Identifiers: ClinVar variation 641961 (VCV000641961.9), dbSNP rs1169435264, ClinGen allele CA362106877.